The following is an entry in ClinVar:

NM_000038.6(APC):c.3584T>C (p.Phe1195Ser)

Gene: APC (APC regulator of WNT signaling pathway; plus strand). Cytogenetic location: 5q22.2.
Variant type: single nucleotide variant.
Coding change: c.3584T>C on transcript NM_000038.6 (MANE Select); coding-DNA position 3584, T replaced by C.
Protein change: p.Phe1195Ser; replaces phenylalanine 1195 with serine.
Molecular consequence: missense variant.
Genome position (GRCh38, 1-based): chr5:112,839,178, T>C. VCF-style: chr5-112839178-T-C. GRCh37 (hg19) VCF-style: chr5-112174875-T-C.
Other names: c.3584T>C, p.Phe1195Ser (NM_001127510.3, NM_001354895.2); c.3530T>C, p.Phe1177Ser (NM_001127511.3); c.3638T>C, p.Phe1213Ser (NM_001354896.2); c.3614T>C, p.Phe1205Ser (NM_001354897.2); c.3509T>C, p.Phe1170Ser (NM_001354898.2); c.3500T>C, p.Phe1167Ser (NM_001354899.2); c.3461T>C, p.Phe1154Ser (NM_001354900.2); c.3407T>C, p.Phe1136Ser (NM_001354901.2); and 5 more; short protein forms F1195S, F1177S, F1069S, F1136S, F1154S, F1167S, F1213S, F912S.
Identifiers: ClinVar variation 41528 (VCV000041528.2), dbSNP rs386833392, ClinGen allele CA008536.

ClinVar aggregate classification (germline): Uncertain significance (0 of 4 stars; one submission).

Submission:

Biesecker Lab/Clinical Genomics Section, National Institutes of Health
Classification: Uncertain significance. Last evaluated: 2012-07-13. Review status: no assertion criteria provided. Collection method: research. Allele origin: germline. Affected: no. Observed: 1 variant allele. Study: ClinSeq.
ClinVar note: Converted during submission from variant of unknown significance to Uncertain significance.